The following is an entry in ClinVar:

NM_153240.5(NPHP3):c.958-2A>G

Genes: NPHP3 (nephrocystin 3; minus strand), NPHP3-ACAD11 (NPHP3-ACAD11 readthrough (NMD candidate); minus strand). Cytogenetic location: 3q22.1.
Variant type: single nucleotide variant.
Coding change: c.958-2A>G on transcript NM_153240.5 (MANE Select); the canonical splice acceptor site of the intron before coding-DNA position 958, A replaced by G.
Molecular consequence: splice acceptor variant.
Genome position (GRCh38, 1-based): chr3:132,713,288, T>C on the plus strand (A>G on the coding strand, the complement: NPHP3 is on the minus strand). VCF-style: chr3-132713288-T-C. GRCh37 (hg19) VCF-style: chr3-132432132-T-C.
Identifiers: ClinVar variation 848816 (VCV000848816.17), dbSNP rs780148543, ClinGen allele CA2622444.

ClinVar aggregate classification (germline): Pathogenic. Review status: criteria provided, multiple submitters, no conflicts (2 of 4 stars). 5 submissions from 5 submitters: Pathogenic (5). Last evaluated 2026-04-26.

Conditions:
NPHP3-related Meckel-like syndrome. Also called: GOLDSTON SYNDROME; Meckel syndrome type 7. Identifiers: Orphanet 3032, MedGen C2673885, MONDO:0009966, OMIM 267010.
Renal-hepatic-pancreatic dysplasia 1 (RHPD1). Identifiers: MedGen C3715199, MONDO:0008833, OMIM 208540.
Nephronophthisis 3 (NPHP3). Also called: Adolescent nephronophthisis. Identifiers: Orphanet 655, MedGen C1858392, MONDO:0011456, OMIM 604387.
NPHP3-related disorder. Also called: NPHP3-related condition; NPHP3-related disorders. Identifiers: MedGen CN379163.
Nephronophthisis. Also called: Juvenile Nephronophthisis. Identifiers: Orphanet 655, MedGen C0687120, MONDO:0019005, HP:0000090.

Allele frequency attached by ClinVar (database versions not stated): TOPMed 0.00003; gnomAD exomes 0.00004 and 0.00009; ExAC 0.00005; gnomAD 0.00006.
gnomAD v4.1: 141 of 1,583,892 alleles (0.0089%); highest among the groups gnomAD compares: Non-Finnish European, 0.012%; no homozygotes.

Submissions (5):

PreventionGenetics, part of Exact Sciences
Classification: Pathogenic for NPHP3-related condition. Last evaluated: 2026-04-26. Review status: criteria provided, single submitter. Criteria: ACMG Guidelines, 2015. Collection method: clinical testing. Allele origin: germline.
Comment: The NPHP3 c.958-2A>G variant is predicted to disrupt the AG splice acceptor site and interfere with normal splicing. This variant has been reported as causative in the compound heterozygous state in individuals with NPHP3-related kidney disorders (Leeman et al. 2014. PubMed ID: 24776604; Table S2, König et al. 2022. PubMed ID: 36090483). This variant is reported in 0.0080% of alleles in individuals of European (Non-Finnish) descent in gnomAD. Variants that disrupt the consensus splice acceptor site in NPHP3 are expected to be pathogenic. This variant is interpreted as pathogenic.

Labcorp Genetics (formerly Invitae), Labcorp
Classification: Pathogenic for Nephronophthisis. Last evaluated: 2025-12-28. Review status: criteria provided, single submitter. Criteria: Invitae Variant Classification Sherloc (09022015). Collection method: clinical testing. Allele origin: germline.
Comment: This sequence change affects an acceptor splice site in intron 5 of the NPHP3 gene. It is expected to disrupt RNA splicing. Variants that disrupt the donor or acceptor splice site typically lead to a loss of protein function (PMID: 16199547), and loss-of-function variants in NPHP3 are known to be pathogenic (PMID: 18371931, 23559409). This variant is present in population databases (rs780148543, gnomAD 0.008%). Disruption of this splice site has been observed in individual(s) with clinical features of nephronophthisis (PMID: 24776604). It has also been observed to segregate with disease in related individuals. ClinVar contains an entry for this variant (Variation ID: 848816). Algorithms developed to predict the effect of sequence changes on RNA splicing suggest that this variant may disrupt the consensus splice site. For these reasons, this variant has been classified as Pathogenic.

Fulgent Genetics
Classification: Pathogenic for Renal-hepatic-pancreatic dysplasia 1; NPHP3-related Meckel-like syndrome; Nephronophthisis 3. Last evaluated: 2024-06-24. Review status: criteria provided, single submitter. Criteria: ACMG Guidelines, 2015. Collection method: clinical testing. Allele origin: germline.

GeneDx
Classification: Pathogenic. Last evaluated: 2023-07-18. Review status: criteria provided, single submitter. Criteria: GeneDx Variant Classification Process June 2021. Collection method: clinical testing. Allele origin: germline. Affected: yes.
Comment: Canonical splice site variant predicted to result in a null allele in a gene for which loss-of-function is a known mechanism of disease; Not observed at significant frequency in large population cohorts (gnomAD); This variant is associated with the following publications: (PMID: 24776604, 31964843, 36090483)

Blueprint Genetics
Classification: Pathogenic for NPHP3-related disorders. Last evaluated: 2017-08-28. Review status: criteria provided, single submitter. Criteria: ACMG Guidelines, 2015. Collection method: clinical testing. Allele origin: germline. Affected: yes. Observed: 5 variant alleles.

Literature cited by the submitters: PubMed 16199547 (cited by Labcorp Genetics (formerly Invitae), Labcorp); PubMed 18371931 (cited by Labcorp Genetics (formerly Invitae), Labcorp); PubMed 23559409 (cited by Labcorp Genetics (formerly Invitae), Labcorp); PubMed 24776604 (cited by Labcorp Genetics (formerly Invitae), Labcorp).